The following is an entry in ClinVar:

ClinVar aggregate classification (germline): Uncertain significance (1 of 4 stars; one submission).

Conditions:
Hematuria. Identifiers: MedGen C0018965, HP:0000790.

Submission:

Genetics Laboratory, Great Ormond Street Hospital NHS Foundation Trust, North Thames Genomic Laboratory Hub
Classification: Uncertain significance for Haematuria. Last evaluated: 2025-10-09. Review status: criteria provided, single submitter. Criteria: ACGS Best Practice Guidelines for Variant Classification in Rare Disease 2024 v1.2. Collection method: clinical testing. Allele origin: germline. Affected: yes.
Comment: PM2_moderate, PM4_moderate

NM_000092.5(COL4A4):c.2655_2663del (p.Leu886_Gly888del)

Gene: COL4A4 (collagen type IV alpha 4 chain; minus strand). Cytogenetic location: 2q36.3.
Variant type: Deletion.
Coding change: c.2655_2663del on transcript NM_000092.5 (MANE Select); coding-DNA positions 2655 to 2663, 9 bases deleted (CCTCCCAGG; older notation c.2655_2663delCCTCCCAGG).
Protein change: p.Leu886_Gly888del.
Genome position (GRCh38, 1-based): chr2:227,055,998-227,056,006, CCTGGGAGG deleted on the plus strand (CCTCCCAGG on the coding strand, the reverse complement: COL4A4 is on the minus strand); deleting any 9 consecutive bases within chr2:227,055,998-227,056,012 gives the same sequence; the c. name uses the placement nearest the transcript's 3' end. VCF-style (leftmost placement, unchanged base first): chr2-227055997-TCCTGGGAGG-T. GRCh37 (hg19) VCF-style: chr2-227920713-TCCTGGGAGG-T.
Identifiers: ClinVar variation 4533366 (VCV004533366.1).